The following is an entry in ClinVar:

NM_153460.4(IL17RC):c.2119G>A (p.Gly707Arg)

Genes: IL17RC (interleukin 17 receptor C; plus strand), LOC129936144 (ATAC-STARR-seq lymphoblastoid silent region 14051; plus strand). Cytogenetic location: 3p25.3.
Variant type: single nucleotide variant.
Coding change: c.2119G>A on transcript NM_153460.4 (MANE Select); coding-DNA position 2119, G replaced by A.
Protein change: p.Gly707Arg; replaces glycine 707 with arginine.
Molecular consequence: missense variant. On other transcripts: non-coding transcript variant (1).
Genome position (GRCh38, 1-based): chr3:9,933,549, G>A. VCF-style: chr3-9933549-G-A. GRCh37 (hg19) VCF-style: chr3-9975233-G-A.
Other names: c.2080G>A, p.Gly694Arg (NM_001203263.2); c.2029G>A, p.Gly677Arg (NM_001203264.2); c.2023G>A, p.Gly675Arg (NM_001203265.2); c.2041G>A, p.Gly681Arg (NM_001367278.1); c.1960G>A, p.Gly654Arg (NM_001367279.1); c.2035G>A, p.Gly679Arg (NM_001367280.1); c.2074G>A, p.Gly692Arg (NM_032732.6); c.2332G>A, p.Gly778Arg (NM_153461.4); short protein forms G677R, G681R, G707R, G679R, G692R, G694R, G778R, G654R.
Identifiers: ClinVar variation 843547 (VCV000843547.8), dbSNP rs576002780, ClinGen allele CA2247497.

ClinVar aggregate classification (germline): Uncertain significance. Review status: criteria provided, multiple submitters, no conflicts (2 of 4 stars). 2 submissions from 2 submitters: Uncertain significance (2). Last evaluated 2025-12-22.

Conditions:
Candidiasis, familial, 9 (CANDF9). Identifiers: Orphanet 1334, MedGen C4225324, MONDO:0014642, OMIM 616445.

Allele frequency attached by ClinVar (database versions not stated): gnomAD exomes 0.00001 and 0.00002; ExAC 0.00003; gnomAD 0.00005 and 0.00006; TOPMed 0.00007; 1000 Genomes Project 30x 0.00016; 1000 Genomes Project 0.00020.
gnomAD v4.1: 27 of 1,607,030 alleles (0.0017%); highest among the groups gnomAD compares: African/African-American, 0.011%; no homozygotes.

Submissions (2):

Labcorp Genetics (formerly Invitae), Labcorp
Classification: Uncertain significance for Candidiasis, familial, 9. Last evaluated: 2025-12-22. Review status: criteria provided, single submitter. Criteria: Invitae Variant Classification Sherloc (09022015). Collection method: clinical testing. Allele origin: germline.
Comment: This sequence change replaces glycine, which is neutral and non-polar, with arginine, which is basic and polar, at codon 778 of the IL17RC protein (p.Gly778Arg). The frequency data for this variant in the population databases is considered unreliable, as metrics indicate poor data quality at this position in the gnomAD database. This variant has not been reported in the literature in individuals affected with IL17RC-related conditions. ClinVar contains an entry for this variant (Variation ID: 843547). An algorithm developed to predict the effect of missense changes on protein structure and function outputs the following: PolyPhen-2: "Not Available". The arginine amino acid residue is found in multiple mammalian species, which suggests that this missense change does not adversely affect protein function. In summary, the available evidence is currently insufficient to determine the role of this variant in disease. Therefore, it has been classified as a Variant of Uncertain Significance.

Ambry Genetics
Classification: Uncertain significance. Last evaluated: 2025-07-15. Review status: criteria provided, single submitter. Criteria: Ambry Variant Classification Scheme 2023. Collection method: clinical testing. Allele origin: germline.